The following is an entry in ClinVar:

ClinVar aggregate classification (germline): Uncertain significance (1 of 4 stars; one submission).

Conditions:
Neurodevelopmental disorder with dysmorphic facies, impaired speech, and hypotonia. Identifiers: MedGen C5436585, MONDO:0033562, OMIM 619005.

Submission:

Neuberg Centre For Genomic Medicine, NCGM
Classification: Uncertain significance for Neurodevelopmental disorder with dysmorphic facies, impaired speech, and hypotonia. Review status: criteria provided, single submitter. Criteria: ACMG Guidelines, 2015. Collection method: clinical testing. Allele origin: germline. Inheritance: Autosomal dominant inheritance. Affected: yes.
Comment: The missense variant c.2936T>A (p.Val979Asp) in the MADD gene has not been reported previously as a pathogenic variant nor as a benign variant, to our knowledge. This variant is novel (not in any individuals) in gnomAD Exomes and 1000 Genomes. The amino acid Valine at position 979 is changed to a Aspartic Acid changing the protein sequence and it might alter its composition and physico-chemical properties. The amino acid change p.Val979Asp in MADD is predicted as conserved by GERP++ and PhyloP across 100 vertebrates. For these reasons, this variant has been classified as Uncertain Significance.

NM_001376571.1(MADD):c.2936T>A (p.Val979Asp)

Gene: MADD (MAP kinase activating death domain; plus strand). Cytogenetic location: 11p11.2.
Variant type: single nucleotide variant.
Coding change: c.2936T>A on transcript NM_001376571.1 (MANE Select); coding-DNA position 2936, T replaced by A.
Protein change: p.Val979Asp; replaces valine 979 with aspartic acid.
Molecular consequence: missense variant. On other transcripts: non-coding transcript variant (7), intron variant (1).
Genome position (GRCh38, 1-based): chr11:47,289,986, T>A. VCF-style: chr11-47289986-T-A. GRCh37 (hg19) VCF-style: chr11-47311537-T-A.
Other names: c.2747T>A, p.Val916Asp (NM_001135943.2, NM_001135944.2, NM_001376585.1 and 20 more transcripts); c.2936T>A, p.Val979Asp (NM_001376572.1, NM_001376573.1, NM_001376574.1 and 11 more transcripts); c.2876T>A, p.Val959Asp (NM_001376575.1, NM_001376576.1, NM_001376577.1 and 12 more transcripts); c.2849T>A, p.Val950Asp (NM_001376578.1, NM_001376631.1); c.2807T>A, p.Val936Asp (NM_001376581.1, NM_001376582.1, NM_001376586.1 and 15 more transcripts); c.2774T>A, p.Val925Asp (NM_001376583.1, NM_001376611.1, NM_001376613.1 and 1 more transcripts); c.2954T>A, p.Val985Asp (NM_001376596.1); c.2783T>A, p.Val928Asp (NM_001376602.1); and 9 more; short protein forms V737D, V848D, V868D, V882D, V891D, V907D, V911D, V916D.
Identifiers: ClinVar variation 3764496 (VCV003764496.1).